The following is an entry in ClinVar:

NM_000243.3(MEFV):c.439C>G (p.Pro147Ala)

Gene: MEFV (MEFV innate immunity regulator, pyrin; minus strand). Cytogenetic location: 16p13.3.
Variant type: single nucleotide variant.
Coding change: c.439C>G on transcript NM_000243.3 (MANE Select); coding-DNA position 439, C replaced by G.
Protein change: p.Pro147Ala; replaces proline 147 with alanine.
Molecular consequence: missense variant. On other transcripts: intron variant (1).
Genome position (GRCh38, 1-based): chr16:3,254,629, G>C on the plus strand (C>G on the coding strand, the complement: MEFV is on the minus strand). VCF-style: chr16-3254629-G-C. GRCh37 (hg19) VCF-style: chr16-3304629-G-C.
Other names: c.277+1682C>G (NM_001198536.2); short protein forms P147A.
Identifiers: ClinVar variation 234353 (VCV000234353.4), dbSNP rs876660991, ClinGen allele CA10577524.

ClinVar aggregate classification (germline): Conflicting classifications of pathogenicity. Review status: criteria provided, conflicting classifications (1 of 4 stars). 5 submissions from 3 submitters: Uncertain significance (3); Likely benign (2). Last evaluated 2023-02-08.

Conditions:
Familial Mediterranean fever, autosomal dominant. Also called: Dominant Familial Mediterranean Fever; FMF, AUTOSOMAL DOMINANT. Identifiers: Orphanet 342, MedGen C1851347, MONDO:0007601, OMIM 134610.
Acute febrile neutrophilic dermatosis (AFND). Also called: Sweet Syndrome; Gomm Button disease. Identifiers: Orphanet 3243, MedGen C0085077, MONDO:0011959, OMIM 608068.
Familial Mediterranean fever (FMF). Also called: POLYSEROSITIS, FAMILIAL PAROXYSMAL; POLYSEROSITIS, RECURRENT; Periodic peritonitis; Benign paroxysmal peritonitis. Identifiers: Orphanet 342, MedGen C0031069, MONDO:0018088, OMIM 249100. Disease mechanism: gain of function.

gnomAD v4.1: 6 of 1,605,364 alleles (0.00037%); highest among the groups gnomAD compares: Non-Finnish European, 0.00051%; no homozygotes.

Submissions (5):

Genome-Nilou Lab
Classification: Uncertain significance for Familial Mediterranean fever. Last evaluated: 2023-02-08. Review status: criteria provided, single submitter. Criteria: ACMG Guidelines, 2015. Collection method: clinical testing. Allele origin: germline.

Genome-Nilou Lab
Classification: Likely benign for Familial Mediterranean fever, autosomal dominant. Last evaluated: 2023-02-08. Review status: criteria provided, single submitter. Criteria: ACMG Guidelines, 2015. Collection method: clinical testing. Allele origin: germline.

Genome-Nilou Lab
Classification: Likely benign for Acute febrile neutrophilic dermatosis. Last evaluated: 2023-02-08. Review status: criteria provided, single submitter. Criteria: ACMG Guidelines, 2015. Collection method: clinical testing. Allele origin: germline.

Fulgent Genetics
Classification: Uncertain significance for Familial Mediterranean fever, autosomal dominant; Familial Mediterranean fever; Acute febrile neutrophilic dermatosis. Last evaluated: 2022-04-21. Review status: criteria provided, single submitter. Criteria: ACMG Guidelines, 2015. Collection method: clinical testing. Allele origin: unknown.

GeneDx
Classification: Uncertain significance. Last evaluated: 2014-07-07. Review status: criteria provided, single submitter. Criteria: GeneDx Variant Classification (06012015). Collection method: clinical testing. Allele origin: germline. Affected: yes.
Comment: To our knowledge, the P147A variant has neither been published as a mutation, nor reported as a benign polymorphism. This variant was not observed in approximately 6300 individuals of European and African American ancestry in the NHLBI Exome Sequencing Project, indicating it is not a common benign variant in these populations. P147A represents a semi-conservative amino acid substitution, which may impact secondary protein structure as these residues differ in some properties. However, this substitution occurs at a position that is not conserved across species and in silico analysis predicts this variant likely does not alter the protein structure/function. Therefore, based on the currently available information, it is unclear whether this variant is a pathogenic mutation or a rare benign variant.